The following is an entry in ClinVar:

ClinVar aggregate classification (germline): Likely benign (0 of 4 stars; one submission).

Conditions:
NUP88-related disorder. Also called: NUP88-related condition.

Allele frequency attached by ClinVar (database versions not stated): ESP Exome Variant Server 0.00008; ExAC 0.00021; TOPMed 0.00032; gnomAD 0.00035; gnomAD exomes 0.00039.
gnomAD v4.1: 602 of 1,603,080 alleles (0.038%); highest among the groups gnomAD compares: Non-Finnish European, 0.049%; no homozygotes.

Submission:

PreventionGenetics, part of Exact Sciences
Classification: Likely benign for NUP88-related condition. Last evaluated: 2019-12-02. Review status: no assertion criteria provided. Collection method: clinical testing. Allele origin: germline.
Comment: This variant is classified as likely benign based on ACMG/AMP sequence variant interpretation guidelines (Richards et al. 2015 PMID: 25741868, with internal and published modifications).

NM_002532.6(NUP88):c.1305G>A (p.Lys435=)

Gene: NUP88 (nucleoporin 88; minus strand). Cytogenetic location: 17p13.2.
Variant type: single nucleotide variant.
Coding change: c.1305G>A on transcript NM_002532.6 (MANE Select); coding-DNA position 1305, G replaced by A.
Protein change: p.Lys435=; no amino-acid change (lysine 435 retained).
Molecular consequence: synonymous variant.
Genome position (GRCh38, 1-based): chr17:5,394,968, C>T on the plus strand (G>A on the coding strand, the complement: NUP88 is on the minus strand). VCF-style: chr17-5394968-C-T. GRCh37 (hg19) VCF-style: chr17-5298288-C-T.
Other names: c.1305G>A, p.Lys435= (NM_001320653.2).
Identifiers: ClinVar variation 3049070 (VCV003049070.2), dbSNP rs147533029, ClinGen allele CA8324306.